The following is an entry in ClinVar:

NM_002067.5(GNA11):c.*149T>C

Gene: GNA11 (G protein subunit alpha 11; plus strand). Cytogenetic location: 19p13.3.
Variant type: single nucleotide variant.
Coding change: c.*149T>C on transcript NM_002067.5 (MANE Select); 149 bases downstream of the stop codon, T replaced by C.
Molecular consequence: 3 prime UTR variant.
Genome position (GRCh38, 1-based): chr19:3,121,328, T>C. VCF-style: chr19-3121328-T-C. GRCh37 (hg19) VCF-style: chr19-3121326-T-C.
Identifiers: ClinVar variation 3251267 (VCV003251267.1), dbSNP rs1599308941.
Genomic context (GRCh38, chr19:3,121,328, plus strand): 5'-AGTCCGGGCCGGGGCCTCTGCCCGCGGGAGGAGATTTTTTTTTTTCATATTTTTAACAAA[T>C]GGTTTTTATTTCACAGTTATCAGGGGATGTACATCTCTCCCTCCGTACACTTCGCGCACC-3'

ClinVar aggregate classification (germline): Uncertain significance (1 of 4 stars; one submission).

Allele frequency attached by ClinVar (database versions not stated): gnomAD exomes below 0.00001.
gnomAD v4.1: 1 of 594,438 alleles (0.00017%); highest among the groups gnomAD compares: Non-Finnish European, 0.0003%; no homozygotes.

Submission:

Women's Health and Genetics/Laboratory Corporation of America, LabCorp
Classification: Uncertain significance. Last evaluated: 2024-04-15. Review status: criteria provided, single submitter. Criteria: LabCorp Variant Classification Summary - May 2015. Collection method: clinical testing. Allele origin: germline.
Comment: Variant summary: GNA11 c.*149T>C is located in the untranslated mRNA region downstream of the termination codon. The frequency data for this variant in gnomAD is considered unreliable, as metrics indicate poor data quality at this position. To our knowledge, no occurrence of c.*149T>C in individuals affected with GNA11-Related Disorders and no experimental evidence demonstrating its impact on protein function have been reported. No submitters have cited clinical-significance assessments for this variant to ClinVar. Based on the evidence outlined above, the variant was classified as uncertain significance.